The following is an entry in ClinVar:

NM_001457.4(FLNB):c.5853_5854del (p.Cys1952fs)

Gene: FLNB (filamin B; plus strand). Cytogenetic location: 3p14.3.
Variant type: Deletion.
Coding change: c.5853_5854del on transcript NM_001457.4 (MANE Select); coding-DNA positions 5853 to 5854, 2 bases deleted (CT; older notation c.5853_5854delCT).
Protein change: p.Cys1952fs; shifts the reading frame from cysteine 1952.
Molecular consequence: frameshift variant.
Genome position (GRCh38, 1-based): chr3:58,148,330-58,148,331, CT deleted. VCF-style (leftmost placement, unchanged base first): chr3-58148329-CCT-C. GRCh37 (hg19) VCF-style: chr3-58134056-CCT-C.
Other names: c.5946_5947del, p.Cys1983fs (NM_001164317.2); c.5820_5821del, p.Cys1941fs (NM_001164318.2); c.5781_5782del, p.Cys1928fs (NM_001164319.2); short protein forms C1928fs, C1941fs, C1983fs, C1952fs.
Identifiers: ClinVar variation 4723637 (VCV004723637.1).
Genomic context (GRCh38, chr3:58,148,329, plus strand): 5'-GTGAGACTGACCTCAGCAGCCTGACGGCCAGCATTAAGGCCCCATCTGGCCGAGACGAGC[CCT>C]GTCTCCTGAAGAGGCTGCCCAACAACCACATTGGTGAGCTAGGCTACCCTTCCTGGCTGG-3'

ClinVar aggregate classification (germline): Pathogenic (1 of 4 stars; one submission).

Submission:

Labcorp Genetics (formerly Invitae), Labcorp
Classification: Pathogenic. Last evaluated: 2025-07-21. Review status: criteria provided, single submitter. Criteria: Invitae Variant Classification Sherloc (09022015). Collection method: clinical testing. Allele origin: germline.
Comment: This sequence change creates a premature translational stop signal (p.Cys1952Serfs*49) in the FLNB gene. It is expected to result in an absent or disrupted protein product. Loss-of-function variants in FLNB are known to be pathogenic (PMID: 14991055). This variant is not present in population databases (gnomAD no frequency). This variant has not been reported in the literature in individuals affected with FLNB-related conditions. For these reasons, this variant has been classified as Pathogenic.

Literature cited by the submitters: PubMed 14991055.